The following is an entry in ClinVar:

ClinVar aggregate classification (germline): Pathogenic. Review status: reviewed by expert panel (3 of 4 stars). 18 submissions from 17 submitters: Pathogenic (1). 17 of the submissions do not count toward it. Last evaluated 2016-10-18.

Conditions:
Rhabdomyosarcoma. Also called: Rhabdomyosarcoma (disease). Identifiers: Orphanet 780, MedGen C0035412, MeSH D012208, MONDO:0005212, HP:0002859.
Hereditary cancer-predisposing syndrome. Also called: Hereditary Cancer Syndrome; Hereditary neoplastic syndrome; Neoplastic Syndromes, Hereditary; Tumor predisposition. Identifiers: Orphanet 140162, MedGen C0027672, MeSH D009386, MONDO:0015356.
Hereditary breast ovarian cancer syndrome. Also called: BRCA1- and BRCA2-Associated Hereditary Breast and Ovarian Cancer; Hereditary breast and ovarian cancer syndrome; Hereditary breast and ovarian cancer syndrome (HBOC); Breast and ovarian cancer; Hereditary breast and/or ovarian cancer syndrome; Hereditary breast and ovarian cancer. Identifiers: Orphanet 145, MedGen C0677776, MeSH D061325, MONDO:0003582. Disease mechanism: loss of function.
Breast-ovarian cancer, familial, susceptibility to, 1 (BROVCA1). Also called: BRCA1 Hereditary Breast and Ovarian Cancer; OVARIAN CANCER, SUSCEPTIBILITY TO. Identifiers: Orphanet 145, MedGen C2676676, MONDO:0011450, OMIM 604370. Disease mechanism: loss of function.
BRCA1-related cancer predisposition. Identifiers: MedGen CN377757, MONDO:0700268.

Submissions 1 to 6 of 18:

Evidence-based Network for the Interpretation of Germline Mutant Alleles (ENIGMA)
Classification: Pathogenic for Breast-ovarian cancer, familial, susceptibility to, 1. Last evaluated: 2016-10-18. Review status: reviewed by expert panel. Criteria: ENIGMA BRCA1/2 Classification Criteria (2015). Collection method: curation. Allele origin: germline.
Comment: Variant allele predicted to encode a truncated non-functional protein.

Labcorp Genetics (formerly Invitae), Labcorp
Classification: Pathogenic for Hereditary breast ovarian cancer syndrome. Last evaluated: 2025-10-12. Review status: criteria provided, single submitter. Criteria: Invitae Variant Classification Sherloc (09022015). Collection method: clinical testing. Allele origin: germline. Not counted in ClinVar's aggregate classification.
Comment: This sequence change creates a premature translational stop signal (p.Gln284Leufs*5) in the BRCA1 gene. It is expected to result in an absent or disrupted protein product. Loss-of-function variants in BRCA1 are known to be pathogenic (PMID: 20104584). This variant is not present in population databases (gnomAD no frequency). This premature translational stop signal has been observed in individual(s) with pancreatic ductal adenocarcinoma and a personal and/or family history of breast and/or ovarian cancer (PMID: 12920083, 16287141, 22923021, 23635950, 25940717, 26306726, 28740454). ClinVar contains an entry for this variant (Variation ID: 55735). For these reasons, this variant has been classified as Pathogenic.

GeneDx
Classification: Pathogenic. Last evaluated: 2025-03-31. Review status: criteria provided, single submitter. Criteria: GeneDx Variant Classification Process June 2021. Collection method: clinical testing. Allele origin: germline. Affected: yes. Not counted in ClinVar's aggregate classification.
Comment: Frameshift variant predicted to result in protein truncation or nonsense mediated decay in a gene for which loss of function is a known mechanism of disease; Not observed at significant frequency in large population cohorts (gnomAD); Truncating variants in this gene are considered pathogenic by a well-established clinical consortium and/or database; Also known as 963_969dupTCATTAC, 963-969 dup, and 969ins7; This variant is associated with the following publications: (PMID: 28740454, 32772980, 35220195, 21232165, 19370767, 24312913, 22923021, 26852130, 23635950, 23397983, 25940717, 26306726, 30940100, 12920083)

Molecular Diagnostics Laboratory, Catalan Institute of Oncology
Classification: Pathogenic for Hereditary cancer-predisposing syndrome. Last evaluated: 2025-03-06. Review status: criteria provided, single submitter. Criteria: ClinGen BRCA1BRCA2 ACMG Specifications BRCA1 V1.0.0. Collection method: clinical testing. Allele origin: germline. Not counted in ClinVar's aggregate classification.
Comment: PVS1, PM5_PTC_Strong c.844_850dup, located in exon 10 (11 according BIC nomenclature) of the BRCA1 gene, consists in the deletion of 7 nucleotides, causing a translational frameshift with a predicted alternate stop codon, p.(Gln284Leufs*5). This alteration is expected to result in loss of function by premature protein truncation and nonsense-mediated mRNA decay (PVS1, PM5_PTC_Strong). No effect is predicted on splicing by SpliceAI. It is not present in the population database gnomAD v2.1.1, non cancer dataset. To our knowledge, neither relevant clinical data nor well-stablished functional studies have been reported for this variant. In addition, the variant was also identified in the following databases: BRCA Exchange (Pathogenic: Variant allele predicted to encode a truncated non-functional protein), ClinVar (1x uncertain significance, 15x pathogenic) and LOVD (10x pathogenic). Based on the currently available information, c.844_850dup is classified as a pathogenic variant according to ClinGen-BRCA1 Guidelines version v1.0.0.

All of Us Research Program, National Institutes of Health
Classification: Pathogenic for BRCA1-related cancer predisposition. Last evaluated: 2024-09-28. Review status: criteria provided, single submitter. Criteria: ACMG Guidelines, 2015. Collection method: clinical testing. Allele origin: germline. Inheritance: Autosomal dominant inheritance. Observed: 2 variant alleles, 2 heterozygotes. Not counted in ClinVar's aggregate classification.
Comment: This variant inserts 7 nucleotides in exon 10 of the BRCA1 gene, creating a frameshift and premature translation stop signal. This variant is also known as 969ins7 and 970ins7 in the literature. This variant is expected to result in an absent or non-functional protein product. To our knowledge, functional studies have not been reported for this variant. This variant has been detected in multiple individuals and families affected with breast and/or ovarian cancer (PMID: 12920083, 23635950, 26852130) including recurrent affected families in Slovenia (PMID: 22923021). This variant has not been identified in the general population by the Genome Aggregation Database (gnomAD). Loss of BRCA1 function is a known mechanism of disease. Based on the available evidence, this variant is classified as Pathogenic.

This study involves interpretation of variants in research participants for the purpose of population health screening. Participant phenotype was not available at the time of variant classification. Additional details can be found in publication PMID: 35346344, PMCID: PMC8962531

Women's Health and Genetics/Laboratory Corporation of America, LabCorp
Classification: Pathogenic for Hereditary breast ovarian cancer syndrome. Last evaluated: 2024-08-12. Review status: criteria provided, single submitter. Criteria: LabCorp Variant Classification Summary - May 2015. Collection method: clinical testing. Allele origin: germline. Not counted in ClinVar's aggregate classification.
Comment: Variant summary: BRCA1 c.844_850dupTCATTAC (p.Gln284LeufsX5) results in a premature termination codon, predicted to cause a truncation of the encoded protein or absence of the protein due to nonsense mediated decay, which are commonly known mechanisms for disease. The variant was absent in 251110 control chromosomes. c.844_850dupTCATTAC has been reported in the literature in multiple individuals affected with Hereditary Breast And Ovarian Cancer Syndrome (e.g. Stegel_2011, Ozcelik_2003, Krajc_2014, van der Stoep_2009). These data indicate that the variant is very likely to be associated with disease. To our knowledge, no experimental evidence demonstrating an impact on protein function has been reported. The following publications have been ascertained in the context of this evaluation (PMID: 21232165, 12920083, 23397983, 19370767). ClinVar contains an entry for this variant (Variation ID: 55735). Based on the evidence outlined above, the variant was classified as pathogenic.

NM_007294.4(BRCA1):c.844_850dup (p.Gln284fs)

Gene: BRCA1 (BRCA1 DNA repair associated; minus strand). Cytogenetic location: 17q21.31.
Variant type: Duplication.
Coding change: c.844_850dup on transcript NM_007294.4 (MANE Select); coding-DNA positions 844 to 850, 7 bases duplicated (TCATTAC; older notation c.844_850dupTCATTAC).
Protein change: p.Gln284fs; shifts the reading frame from glutamine 284.
Molecular consequence: frameshift variant. On other transcripts: 5 prime UTR variant (2), intron variant (137).
Genome position (GRCh38, 1-based): chr17:43,094,681-43,094,687, GTAATGA duplicated on the plus strand (TCATTAC on the coding strand, the reverse complement: BRCA1 is on the minus strand); duplicating any 7 consecutive bases within chr17:43,094,681-43,094,688 gives the same sequence; the c. name uses the placement nearest the transcript's 3' end. VCF-style (leftmost placement, unchanged base first): chr17-43094680-T-TGTAATGA. GRCh37 (hg19) VCF-style: chr17-41246697-T-TGTAATGA.
Other names: 969ins7; c.841_847dup, p.Gln283fs (NM_001407610.1, NM_001407611.1, NM_001407612.1 and 22 more transcripts); c.844_850dup, p.Gln284fs (NM_001407616.1, NM_001407617.1, NM_001407618.1 and 30 more transcripts); c.835_841dup, p.Gln281fs (NM_001407646.1, NM_001407647.1); c.721_727dup, p.Gln243fs (NM_001407648.1, NM_001407664.1, NM_001407665.1 and 19 more transcripts); c.718_724dup, p.Gln242fs (NM_001407649.1, NM_001407670.1, NM_001407671.1 and 11 more transcripts); c.766_772dup, p.Gln258fs (NM_001407653.1, NM_001407654.1, NM_001407655.1 and 4 more transcripts); c.763_769dup, p.Gln257fs (NM_001407659.1, NM_001407660.1, NM_001407661.1 and 1 more transcripts); and 42 more; short protein forms Q237fs, Q284fs, Q156fs, Q172fs, Q242fs, Q243fs, Q257fs, Q281fs.
Identifiers: ClinVar variation 55735 (VCV000055735.34), dbSNP rs80357989, ClinGen allele CA003939.